The following is an entry in ClinVar:

NM_000264.5(PTCH1):c.4166C>G (p.Pro1389Arg)

Gene: PTCH1 (patched 1; minus strand). Cytogenetic location: 9q22.32.
Variant type: single nucleotide variant.
Coding change: c.4166C>G on transcript NM_000264.5 (MANE Select); coding-DNA position 4166, C replaced by G.
Protein change: p.Pro1389Arg; replaces proline 1389 with arginine.
Molecular consequence: missense variant. On other transcripts: non-coding transcript variant (1).
Genome position (GRCh38, 1-based): chr9:95,447,090, G>C on the plus strand (C>G on the coding strand, the complement: PTCH1 is on the minus strand). VCF-style: chr9-95447090-G-C. GRCh37 (hg19) VCF-style: chr9-98209372-G-C.
Other names: c.3968C>G, p.Pro1323Arg (NM_001083602.3); c.4163C>G, p.Pro1388Arg (NM_001083603.3); c.3713C>G, p.Pro1238Arg (NM_001083604.3, NM_001083605.3, NM_001083606.3 and 1 more transcripts); c.4010C>G, p.Pro1337Arg (NM_001354918.2); short protein forms P1337R, P1238R, P1388R, P1323R, P1389R.
Identifiers: ClinVar variation 847098 (VCV000847098.12), dbSNP rs1837985984, ClinGen allele CA374110196.
Genomic context (GRCh38, chr9:95,447,090, plus strand): 5'-AACAGGCCGTGGTCAGTCTCAGGGTAGCCTGGGCAGAGTCCCCCTCGGGGGTTCCGCCCA[G>C]GCCCAGGGACAGGCGGCGGGTGCACGGCGACAGTCACGGAGGCAGAAGCCGTCACAGTGG-3'
Protein context (NP_000255.2, residues 1379-1399): VAVHPPPVPG[Pro1389Arg]GRNPRGGLCP

ClinVar aggregate classification (germline): Uncertain significance. Review status: criteria provided, multiple submitters, no conflicts (2 of 4 stars). 2 submissions from 2 submitters: Uncertain significance (2). Last evaluated 2022-10-05.

Conditions:
Hereditary cancer-predisposing syndrome. Also called: Neoplastic Syndromes, Hereditary; Hereditary Cancer Syndrome; Hereditary neoplastic syndrome; Tumor predisposition. Identifiers: Orphanet 140162, MedGen C0027672, MeSH D009386, MONDO:0015356.
Gorlin syndrome. Also called: Nevoid Basal Cell Carcinoma Syndrome; Basal cell nevus syndrome. Identifiers: Orphanet 377, MedGen C0004779, MONDO:0007187.

Submissions (2):

Ambry Genetics
Classification: Uncertain significance for Hereditary cancer-predisposing syndrome. Last evaluated: 2022-10-05. Review status: criteria provided, single submitter. Criteria: Ambry Variant Classification Scheme 2023. Collection method: clinical testing. Allele origin: germline.
Comment: The p.P1389R variant (also known as c.4166C>G), located in coding exon 23 of the PTCH1 gene, results from a C to G substitution at nucleotide position 4166. The proline at codon 1389 is replaced by arginine, an amino acid with dissimilar properties. This amino acid position is conserved. In addition, this alteration is predicted to be tolerated by in silico analysis. Since supporting evidence is limited at this time, the clinical significance of this alteration remains unclear.

Labcorp Genetics (formerly Invitae), Labcorp
Classification: Uncertain significance for Gorlin syndrome. Last evaluated: 2019-03-07. Review status: criteria provided, single submitter. Criteria: Invitae Variant Classification Sherloc (09022015). Collection method: clinical testing. Allele origin: germline.
Comment: This sequence change replaces proline with arginine at codon 1389 of the PTCH1 protein (p.Pro1389Arg). The proline residue is weakly conserved and there is a moderate physicochemical difference between proline and arginine. This variant is not present in population databases (ExAC no frequency). This variant has not been reported in the literature in individuals with PTCH1-related conditions. Algorithms developed to predict the effect of missense changes on protein structure and function (SIFT, PolyPhen-2, Align-GVGD) all suggest that this variant is likely to be tolerated, but these predictions have not been confirmed by published functional studies and their clinical significance is uncertain. In summary, the available evidence is currently insufficient to determine the role of this variant in disease. Therefore, it has been classified as a Variant of Uncertain Significance.